The following is an entry in ClinVar:

ClinVar aggregate classification (germline): Uncertain significance (1 of 4 stars; one submission).

Conditions:
MHC class II deficiency. Also called: Bare lymphocyte syndrome 2; BLS, TYPE II. Identifiers: Orphanet 572, MedGen C5447452, MONDO:0008855.

Allele frequency attached by ClinVar (database versions not stated): TOPMed 0.00001; ExAC 0.00002; gnomAD 0.00001; gnomAD exomes 0.00001 and 0.00003.
gnomAD v4.1: 46 of 1,612,666 alleles (0.0029%); highest among the groups gnomAD compares: Non-Finnish European, 0.0039%; no homozygotes.

Submission:

Labcorp Genetics (formerly Invitae), Labcorp
Classification: Uncertain significance for MHC class II deficiency. Last evaluated: 2022-04-29. Review status: criteria provided, single submitter. Criteria: Invitae Variant Classification Sherloc (09022015). Collection method: clinical testing. Allele origin: germline.
Comment: This sequence change replaces leucine, which is neutral and non-polar, with valine, which is neutral and non-polar, at codon 239 of the RFXAP protein (p.Leu239Val). This variant is present in population databases (rs774923624, gnomAD 0.003%). This variant has not been reported in the literature in individuals affected with RFXAP-related conditions. ClinVar contains an entry for this variant (Variation ID: 972594). Algorithms developed to predict the effect of missense changes on protein structure and function (SIFT, PolyPhen-2, Align-GVGD) all suggest that this variant is likely to be disruptive. Algorithms developed to predict the effect of sequence changes on RNA splicing suggest that this variant may create or strengthen a splice site. In summary, the available evidence is currently insufficient to determine the role of this variant in disease. Therefore, it has been classified as a Variant of Uncertain Significance.

NM_000538.4(RFXAP):c.715C>G (p.Leu239Val)

Gene: RFXAP (regulatory factor X associated protein; plus strand). Cytogenetic location: 13q13.3.
Variant type: single nucleotide variant.
Coding change: c.715C>G on transcript NM_000538.4 (MANE Select); coding-DNA position 715, C replaced by G.
Protein change: p.Leu239Val; replaces leucine 239 with valine.
Molecular consequence: missense variant.
Genome position (GRCh38, 1-based): chr13:36,827,649, C>G. VCF-style: chr13-36827649-C-G. GRCh37 (hg19) VCF-style: chr13-37401786-C-G.
Other names: short protein forms L239V.
Identifiers: ClinVar variation 972594 (VCV000972594.7), dbSNP rs774923624, ClinGen allele CA6950283.